The following is an entry in ClinVar:

NM_003200.5(TCF3):c.468C>A (p.Ser156Arg)

Gene: TCF3 (transcription factor 3; minus strand). Cytogenetic location: 19p13.3.
Variant type: single nucleotide variant.
Coding change: c.468C>A on transcript NM_003200.5 (MANE Select); coding-DNA position 468, C replaced by A.
Protein change: p.Ser156Arg; replaces serine 156 with arginine.
Molecular consequence: missense variant.
Genome position (GRCh38, 1-based): chr19:1,625,607, G>T on the plus strand (C>A on the coding strand, the complement: TCF3 is on the minus strand). VCF-style: chr19-1625607-G-T. GRCh37 (hg19) VCF-style: chr19-1625606-G-T.
Other names: c.468C>A, p.Ser156Arg (NM_001136139.4, NM_001351778.2, NM_001351779.2); short protein forms S156R.
Identifiers: ClinVar variation 1496457 (VCV001496457.6), dbSNP rs757192077, ClinGen allele CA403057103.

ClinVar aggregate classification (germline): Uncertain significance (1 of 4 stars; one submission).

Submission:

Labcorp Genetics (formerly Invitae), Labcorp
Classification: Uncertain significance. Last evaluated: 2021-05-17. Review status: criteria provided, single submitter. Criteria: Invitae Variant Classification Sherloc (09022015). Collection method: clinical testing. Allele origin: germline.
Comment: This sequence change replaces serine with arginine at codon 156 of the TCF3 protein (p.Ser156Arg). The serine residue is weakly conserved and there is a moderate physicochemical difference between serine and arginine. This variant is not present in population databases (ExAC no frequency). In summary, the available evidence is currently insufficient to determine the role of this variant in disease. Therefore, it has been classified as a Variant of Uncertain Significance. Algorithms developed to predict the effect of missense changes on protein structure and function are either unavailable or do not agree on the potential impact of this missense change (SIFT: "Not Available"; PolyPhen-2: "Benign"; Align-GVGD: "Not Available"). This variant has not been reported in the literature in individuals with TCF3-related conditions.